The following is an entry in ClinVar:

NM_021738.3(SVIL):c.2295G>A (p.Ala765=)

Gene: SVIL (supervillin; minus strand). Cytogenetic location: 10p11.23.
Variant type: single nucleotide variant.
Coding change: c.2295G>A on transcript NM_021738.3 (MANE Select); coding-DNA position 2295, G replaced by A.
Protein change: p.Ala765=; no amino-acid change (alanine 765 retained).
Molecular consequence: synonymous variant. On other transcripts: intron variant (1).
Genome position (GRCh38, 1-based): chr10:29,527,008, C>T on the plus strand (G>A on the coding strand, the complement: SVIL is on the minus strand). VCF-style: chr10-29527008-C-T. GRCh37 (hg19) VCF-style: chr10-29815937-C-T.
Other names: c.1365G>A, p.Ala455= (NM_001323599.2); c.1113G>A, p.Ala371= (NM_001323600.1); c.1065-2293G>A (NM_003174.3).
Identifiers: ClinVar variation 4821716 (VCV004821716.4).

ClinVar aggregate classification (germline): Likely benign (1 of 4 stars; one submission).

gnomAD v4.1: 76 of 1,612,820 alleles (0.0047%); highest among the groups gnomAD compares: Middle Eastern, 0.033%; no homozygotes.

Submission:

CeGaT Center for Human Genetics Tuebingen
Classification: Likely benign. Last evaluated: 2026-01-01. Review status: criteria provided, single submitter. Criteria: CeGaT Center For Human Genetics Tuebingen Variant Classification Criteria Version 2. Collection method: clinical testing. Allele origin: germline. Affected: yes. Observed: 1 variant allele.
Comment: SVIL: BP4, BP7